The following is an entry in ClinVar:

NM_000023.4(SGCA):c.696C>G (p.Cys232Trp)

Gene: SGCA (sarcoglycan alpha; plus strand). Cytogenetic location: 17q21.33.
Variant type: single nucleotide variant.
Coding change: c.696C>G on transcript NM_000023.4 (MANE Select); coding-DNA position 696, C replaced by G.
Protein change: p.Cys232Trp; replaces cysteine 232 with tryptophan.
Molecular consequence: missense variant. On other transcripts: non-coding transcript variant (1), intron variant (1).
Genome position (GRCh38, 1-based): chr17:50,169,203, C>G. VCF-style: chr17-50169203-C-G. GRCh37 (hg19) VCF-style: chr17-48246564-C-G.
Other names: c.584+631C>G (NM_001135697.3); short protein forms C232W.
Identifiers: ClinVar variation 2444370 (VCV002444370.1), dbSNP rs2509123258, ClinGen allele CA400180838.

ClinVar aggregate classification (germline): Uncertain significance (1 of 4 stars; one submission).

Conditions:
Autosomal recessive limb-girdle muscular dystrophy type 2D (LGMDR3). Also called: ADHALINOPATHY, PRIMARY; MUSCULAR DYSTROPHY, LIMB-GIRDLE, AUTOSOMAL RECESSIVE 3; DUCHENNE-LIKE AUTOSOMAL RECESSIVE MUSCULAR DYSTROPHY, TYPE 2. Identifiers: Orphanet 62, MedGen C2936332, MONDO:0011968, OMIM 608099. Disease mechanism: Affects gamma-sarcoglycan and also disrupts the integrity of the entire sarcoglycan complex..

Allele frequency attached by ClinVar (database versions not stated): gnomAD exomes below 0.00001.
gnomAD v4.1: 1 of 1,614,028 alleles (0.000062%); highest among the groups gnomAD compares: South Asian, 0.0011%; no homozygotes.

Submission:

3billion
Classification: Uncertain significance for Autosomal recessive limb-girdle muscular dystrophy type 2D. Last evaluated: 2023-02-23. Review status: criteria provided, single submitter. Criteria: ACMG Guidelines, 2015. Collection method: clinical testing. Allele origin: unknown. Affected: yes.
Comment: The variant is not observed in the gnomAD v2.1.1 dataset. In silico tool predictions suggest damaging effect of the variant on gene or gene product (REVEL: 0.78; 3Cnet: 0.20). A different missense change at the same codon (p.Cys232Ser) has been reported to be associated with SGCA related disorder (PMID: 18996010). However the evidence of pathogenicity is insufficient at this time. Therefore, this variant is classified as VUS according to the recommendation of ACMG/AMP guideline.

Literature cited by the submitters: PubMed 18996010.